The following is an entry in ClinVar:

NM_000222.3(KIT):c.90T>A (p.Ser30Arg)

Gene: KIT (KIT proto-oncogene, receptor tyrosine kinase; plus strand). Cytogenetic location: 4q12.
Variant type: single nucleotide variant.
Coding change: c.90T>A on transcript NM_000222.3 (MANE Select); coding-DNA position 90, T replaced by A.
Protein change: p.Ser30Arg; replaces serine 30 with arginine.
Molecular consequence: missense variant.
Genome position (GRCh38, 1-based): chr4:54,695,534, T>A. VCF-style: chr4-54695534-T-A. GRCh37 (hg19) VCF-style: chr4-55561700-T-A.
Other names: c.90T>A (NM_000222.2); c.90T>A, p.Ser30Arg (NM_001093772.2, NM_001385284.1, NM_001385285.1 and 4 more transcripts); short protein forms S30R.
Identifiers: ClinVar variation 1435024 (VCV001435024.9), dbSNP rs2109660456, ClinGen allele CA356896822.

ClinVar aggregate classification (germline): Uncertain significance. Review status: criteria provided, multiple submitters, no conflicts (2 of 4 stars). 2 submissions from 2 submitters: Uncertain significance (2). Last evaluated 2024-01-11.

Conditions:
Hereditary cancer-predisposing syndrome. Also called: Hereditary neoplastic syndrome; Tumor predisposition; Hereditary Cancer Syndrome; Neoplastic Syndromes, Hereditary. Identifiers: Orphanet 140162, MedGen C0027672, MeSH D009386, MONDO:0015356.
Gastrointestinal stromal tumor. Also called: Gastrointestinal stroma tumor; Gastrointestinal stromal tumor, somatic. Identifiers: Orphanet 44890, MedGen C0238198, MeSH D046152, MONDO:0011719, OMIM 606764, HP:0100723.

gnomAD v4.1: 1 of 1,614,120 alleles (0.000062%); no homozygotes.

Submissions (2):

Ambry Genetics
Classification: Uncertain significance for Hereditary cancer-predisposing syndrome. Last evaluated: 2024-01-11. Review status: criteria provided, single submitter. Criteria: Ambry Variant Classification Scheme 2023. Collection method: clinical testing. Allele origin: germline.
Comment: The p.S30R variant (also known as c.90T>A), located in coding exon 2 of the KIT gene, results from a T to A substitution at nucleotide position 90. The serine at codon 30 is replaced by arginine, an amino acid with dissimilar properties. This amino acid position is conserved. In addition, this alteration is predicted to be tolerated by in silico analysis. Since supporting evidence is limited at this time, the clinical significance of this alteration remains unclear.

Labcorp Genetics (formerly Invitae), Labcorp
Classification: Uncertain significance for Gastrointestinal stromal tumor. Last evaluated: 2023-04-26. Review status: criteria provided, single submitter. Criteria: Invitae Variant Classification Sherloc (09022015). Collection method: clinical testing. Allele origin: germline.
Comment: In summary, the available evidence is currently insufficient to determine the role of this variant in disease. Therefore, it has been classified as a Variant of Uncertain Significance. An algorithm developed to predict the effect of missense changes on protein structure and function (PolyPhen-2) suggests that this variant is likely to be disruptive. ClinVar contains an entry for this variant (Variation ID: 1435024). This variant has not been reported in the literature in individuals affected with KIT-related conditions. This variant is not present in population databases (gnomAD no frequency). This sequence change replaces serine, which is neutral and polar, with arginine, which is basic and polar, at codon 30 of the KIT protein (p.Ser30Arg).